The following is an entry in ClinVar:

NM_005744.5(ARIH1):c.133G>A (p.Val45Met)

Gene: ARIH1 (ariadne RBR E3 ubiquitin protein ligase 1; plus strand). Cytogenetic location: 15q24.1.
Variant type: single nucleotide variant.
Coding change: c.133G>A on transcript NM_005744.5 (MANE Select); coding-DNA position 133, G replaced by A.
Protein change: p.Val45Met; replaces valine 45 with methionine.
Molecular consequence: missense variant.
Genome position (GRCh38, 1-based): chr15:72,474,772, G>A. VCF-style: chr15-72474772-G-A. GRCh37 (hg19) VCF-style: chr15-72767113-G-A.
Other names: short protein forms V45M.
Identifiers: ClinVar variation 3611744 (VCV003611744.2).
Genomic context (GRCh38, chr15:72,474,772, plus strand): 5'-GAGGAGGAGGAGGACGAAGACGACGACGAGCCGGACGATGATACCCTGGATCTGGGCGAG[G>A]TGGAGCTGGTGGAGCCCGGGCTGGGCGTCGGCGGGGAGCGGGACGGACTGCTGTGCGGGG-3'
Protein context (NP_005735.2, residues 35-55): PDDDTLDLGE[Val45Met]ELVEPGLGVG

ClinVar aggregate classification (germline): Uncertain significance (1 of 4 stars; one submission).

gnomAD v4.1: 1 of 1,531,798 alleles (0.000065%); highest among the groups gnomAD compares: South Asian, 0.0012%; no homozygotes.

Submission:

Labcorp Genetics (formerly Invitae), Labcorp
Classification: Uncertain significance. Last evaluated: 2024-12-06. Review status: criteria provided, single submitter. Criteria: Invitae Variant Classification Sherloc (09022015). Collection method: clinical testing. Allele origin: germline.
Comment: This sequence change replaces valine, which is neutral and non-polar, with methionine, which is neutral and non-polar, at codon 45 of the ARIH1 protein (p.Val45Met). This variant is not present in population databases (gnomAD no frequency). This variant has not been reported in the literature in individuals affected with ARIH1-related conditions. Experimental studies and prediction algorithms are not available or were not evaluated, and the functional significance of this variant is currently unknown. In summary, the available evidence is currently insufficient to determine the role of this variant in disease. Therefore, it has been classified as a Variant of Uncertain Significance.